The following is an entry in ClinVar:

ClinVar aggregate classification (germline): Uncertain significance (1 of 4 stars; one submission).

gnomAD v4.1: 2 of 1,614,144 alleles (0.00012%); highest among the groups gnomAD compares: Admixed American, 0.0017%; no homozygotes.

Submission:

Labcorp Genetics (formerly Invitae), Labcorp
Classification: Uncertain significance. Last evaluated: 2024-01-09. Review status: criteria provided, single submitter. Criteria: Invitae Variant Classification Sherloc (09022015). Collection method: clinical testing. Allele origin: germline.
Comment: This sequence change replaces glycine, which is neutral and non-polar, with aspartic acid, which is acidic and polar, at codon 434 of the SLC16A1 protein (p.Gly434Asp). This variant is not present in population databases (gnomAD no frequency). This variant has not been reported in the literature in individuals affected with SLC16A1-related conditions. An algorithm developed to predict the effect of missense changes on protein structure and function (PolyPhen-2) suggests that this variant is likely to be disruptive. In summary, the available evidence is currently insufficient to determine the role of this variant in disease. Therefore, it has been classified as a Variant of Uncertain Significance.

NM_003051.4(SLC16A1):c.1301G>A (p.Gly434Asp)

Gene: SLC16A1 (solute carrier family 16 member 1; minus strand). Cytogenetic location: 1p13.2.
Variant type: single nucleotide variant.
Coding change: c.1301G>A on transcript NM_003051.4 (MANE Select); coding-DNA position 1301, G replaced by A.
Protein change: p.Gly434Asp; replaces glycine 434 with aspartic acid.
Molecular consequence: missense variant.
Genome position (GRCh38, 1-based): chr1:112,914,093, C>T on the plus strand (G>A on the coding strand, the complement: SLC16A1 is on the minus strand). VCF-style: chr1-112914093-C-T. GRCh37 (hg19) VCF-style: chr1-113456715-C-T.
Other names: c.1301G>A, p.Gly434Asp (NM_001166496.2); short protein forms G434D.
Identifiers: ClinVar variation 2871302 (VCV002871302.3), dbSNP rs1648419142, ClinGen allele CA341827082.